The following is an entry in ClinVar:

NM_001848.3(COL6A1):c.823G>A (p.Gly275Arg)

Gene: COL6A1 (collagen type VI alpha 1 chain; plus strand). Cytogenetic location: 21q22.3.
Variant type: single nucleotide variant.
Coding change: c.823G>A on transcript NM_001848.3 (MANE Select); coding-DNA position 823, G replaced by A.
Protein change: p.Gly275Arg; replaces glycine 275 with arginine.
Molecular consequence: missense variant.
Genome position (GRCh38, 1-based): chr21:45,989,102, G>A. VCF-style: chr21-45989102-G-A. GRCh37 (hg19) VCF-style: chr21-47409016-G-A.
Other names: short protein forms G275R.
Identifiers: ClinVar variation 1072275 (VCV001072275.9), dbSNP rs1556425467, ClinGen allele CA410521473.

ClinVar aggregate classification (germline): Pathogenic (1 of 4 stars; one submission).

Conditions:
Bethlem myopathy 1A. Also called: MYOPATHY, BENIGN CONGENITAL, WITH CONTRACTURES; Bethlem Muscular Dystrophy; Bethlem myopathy 1. Identifiers: Orphanet 610, MedGen CN029274, MONDO:0024530, OMIM 158810.

Submission:

Labcorp Genetics (formerly Invitae), Labcorp
Classification: Pathogenic for Bethlem myopathy 1A. Last evaluated: 2025-09-16. Review status: criteria provided, single submitter. Criteria: Invitae Variant Classification Sherloc (09022015). Collection method: clinical testing. Allele origin: germline.
Comment: This sequence change replaces glycine, which is neutral and non-polar, with arginine, which is basic and polar, at codon 275 of the COL6A1 protein (p.Gly275Arg). This variant is not present in population databases (gnomAD no frequency). This missense change has been observed in individual(s) with autosomal dominant Bethlem myopathy (PMID: 15955946). It has also been observed to segregate with disease in related individuals. ClinVar contains an entry for this variant (Variation ID: 1072275). Invitae Evidence Modeling of protein sequence and biophysical properties (such as structural, functional, and spatial information, amino acid conservation, physicochemical variation, residue mobility, and thermodynamic stability) indicates that this missense variant is expected to disrupt COL6A1 protein function with a positive predictive value of 95%. This variant disrupts the triple helix domain of COL6A1. Glycine residues within the Gly-Xaa-Yaa repeats of the triple helix domain are required for the structure and stability of fibrillar collagens (PMID: 7695699, 8218237, 19344236). In COL6A1, variants at these glycine residues are significantly enriched in individuals with autosomal dominant disease (PMID: 15689448, 24038877) compared to the general population (ExAC). For these reasons, this variant has been classified as Pathogenic.

Literature cited by the submitters: PubMed 15955946; PubMed 7695699; PubMed 8218237; PubMed 19344236; PubMed 15689448; PubMed 24038877.